The following is an entry in ClinVar:

NM_005006.7(NDUFS1):c.586G>A (p.Gly196Arg)

Gene: NDUFS1 (NADH:ubiquinone oxidoreductase core subunit S1; minus strand). Cytogenetic location: 2q33.3.
Variant type: single nucleotide variant.
Coding change: c.586G>A on transcript NM_005006.7 (MANE Select); coding-DNA position 586, G replaced by A.
Protein change: p.Gly196Arg; replaces glycine 196 with arginine.
Molecular consequence: missense variant.
Genome position (GRCh38, 1-based): chr2:206,147,054, C>T on the plus strand (G>A on the coding strand, the complement: NDUFS1 is on the minus strand). VCF-style: chr2-206147054-C-T. GRCh37 (hg19) VCF-style: chr2-207011778-C-T.
Other names: c.478G>A, p.Gly160Arg (NM_001199981.2); c.253G>A, p.Gly85Arg (NM_001199982.2); c.415G>A, p.Gly139Arg (NM_001199983.2); c.628G>A, p.Gly210Arg (NM_001199984.2); short protein forms G139R, G160R, G196R, G210R, G85R.
Identifiers: ClinVar variation 1339030 (VCV001339030.2), dbSNP rs2105974048, ClinGen allele CA350060287.

ClinVar aggregate classification (germline): Uncertain significance (1 of 4 stars; one submission).

Conditions:
Mitochondrial complex I deficiency, nuclear type 5. Also called: Mitochondrial complex 1 deficiency, nuclear type 5. Identifiers: MedGen C4748754, MONDO:0032610, OMIM 618226.

Allele frequency attached by ClinVar (database versions not stated): gnomAD exomes below 0.00001.
gnomAD v4.1: 1 of 1,614,012 alleles (0.000062%); highest among the groups gnomAD compares: South Asian, 0.0011%; no homozygotes.

Submission:

Neuberg Centre For Genomic Medicine, NCGM
Classification: Uncertain significance for Mitochondrial complex I deficiency, nuclear type 5. Review status: criteria provided, single submitter. Criteria: ACMG Guidelines, 2015. Collection method: clinical testing. Allele origin: germline. Affected: yes.
Comment: The missense variant p.G196R in NDUFS1 (NM_005006.7) has not been reported previously as a pathogenic variant nor as a benign variant, to our knowledge. The p.G196R variant is novel (not in any individuals) in gnomAD Exomes and is novel (not in any individuals) in 1000 Genomes. The p.G196R missense variant is predicted to be damaging by both SIFT and PolyPhen2. The glycine residue at codon 196 of NDUFS1 is conserved in all mammalian species. The nucleotide c.586 in NDUFS1 is predicted conserved by GERP++ and PhyloP across 100 vertebrates. For these reasons, this variant has been classified as Uncertain Significance.